The following is an entry in ClinVar:

ClinVar aggregate classification (germline): Likely benign. Review status: criteria provided, multiple submitters, no conflicts (2 of 4 stars). 3 submissions from 3 submitters: Likely benign (2). 1 of the submissions does not count toward it. Last evaluated 2026-02-02.

Conditions:
KMT2D-related disorder. Also called: KMT2D-Related Disorders.
Kabuki syndrome. Also called: NIIKAWA-KUROKI SYNDROME; Kabuki make-up syndrome. Identifiers: Orphanet 2322, MedGen C0796004, MONDO:0016512.

Allele frequency attached by ClinVar (database versions not stated): gnomAD exomes 0.00001; ExAC 0.00002; gnomAD 0.00003; TOPMed 0.00007.
gnomAD v4.1: 25 of 1,611,842 alleles (0.0016%); highest among the groups gnomAD compares: Admixed American, 0.005%; no homozygotes.

Submissions (3):

Labcorp Genetics (formerly Invitae), Labcorp
Classification: Likely benign for Kabuki syndrome. Last evaluated: 2026-02-02. Review status: criteria provided, single submitter. Criteria: Invitae Variant Classification Sherloc (09022015). Collection method: clinical testing. Allele origin: germline.

Blueprint Genetics
Classification: Likely benign. Last evaluated: 2023-10-24. Review status: criteria provided, single submitter. Criteria: ACMG Guidelines, 2015. Collection method: clinical testing. Allele origin: germline.

PreventionGenetics, part of Exact Sciences
Classification: Likely benign for KMT2D-related condition. Last evaluated: 2023-02-25. Review status: no assertion criteria provided. Collection method: clinical testing. Allele origin: germline. Not counted in ClinVar's aggregate classification.
Comment: This variant is classified as likely benign based on ACMG/AMP sequence variant interpretation guidelines (Richards et al. 2015 PMID: 25741868, with internal and published modifications).

NM_003482.4(KMT2D):c.15630C>T (p.Tyr5210=)

Gene: KMT2D (lysine methyltransferase 2D; minus strand). Cytogenetic location: 12q13.12.
Variant type: single nucleotide variant.
Coding change: c.15630C>T on transcript NM_003482.4 (MANE Select); coding-DNA position 15630, C replaced by T.
Protein change: p.Tyr5210=; no amino-acid change (tyrosine 5210 retained).
Molecular consequence: synonymous variant.
Genome position (GRCh38, 1-based): chr12:49,026,336, G>A on the plus strand (C>T on the coding strand, the complement: KMT2D is on the minus strand). VCF-style: chr12-49026336-G-A. GRCh37 (hg19) VCF-style: chr12-49420119-G-A.
Identifiers: ClinVar variation 712238 (VCV000712238.11), dbSNP rs751602299, ClinGen allele CA6545530.